The following is an entry in ClinVar:

ClinVar aggregate classification (germline): Uncertain significance. Review status: criteria provided, multiple submitters, no conflicts (2 of 4 stars). 4 submissions from 4 submitters: Uncertain significance (4). Last evaluated 2025-09-28.

Conditions:
Cardiomyopathy (CMYO). Also called: Cardiomyopathies. Identifiers: Orphanet 167848, MedGen C0878544, MONDO:0004994, HP:0001638. Inheritance: Various modes of inheritance.
Catecholaminergic polymorphic ventricular tachycardia 1. Also called: VENTRICULAR TACHYCARDIA, STRESS-INDUCED POLYMORPHIC 1; VENTRICULAR TACHYCARDIA, CATECHOLAMINERGIC POLYMORPHIC, 1, WITH OR WITHOUT ATRIAL DYSFUNCTION AND/OR DILATED CARDIOMYOPATHY; RYR2-Related Catecholaminergic Polymorphic Ventricular Tachycardia. Identifiers: Orphanet 3286, MedGen C1631597, MONDO:0011484, OMIM 604772.
Cardiovascular phenotype. Identifiers: MedGen CN230736.
Catecholaminergic polymorphic ventricular tachycardia (CVPT). Also called: Catecholamine-induced polymorphic ventricular tachycardia. Identifiers: Orphanet 3286, MedGen C5574922, MONDO:0017990.

Allele frequency attached by ClinVar (database versions not stated): gnomAD exomes below 0.00001; TOPMed below 0.00001; gnomAD 0.00001.
gnomAD v4.1: 7 of 1,613,210 alleles (0.00043%); highest among the groups gnomAD compares: Non-Finnish European, 0.00059%; no homozygotes.

Submissions (4):

Labcorp Genetics (formerly Invitae), Labcorp
Classification: Uncertain significance for Catecholaminergic polymorphic ventricular tachycardia 1. Last evaluated: 2025-09-28. Review status: criteria provided, single submitter. Criteria: Invitae Variant Classification Sherloc (09022015). Collection method: clinical testing. Allele origin: germline.
Comment: This sequence change creates a premature translational stop signal (p.Arg480*) in the RYR2 gene. It is expected to result in an absent or disrupted protein product. However, the current clinical and genetic evidence is not sufficient to establish whether loss-of-function variants in RYR2 cause disease. This variant is not present in population databases (gnomAD no frequency). This variant has not been reported in the literature in individuals affected with RYR2-related conditions. ClinVar contains an entry for this variant (Variation ID: 1172463). In summary, the available evidence is currently insufficient to determine the role of this variant in disease. Therefore, it has been classified as a Variant of Uncertain Significance.

All of Us Research Program, National Institutes of Health
Classification: Uncertain significance for Catecholaminergic polymorphic ventricular tachycardia. Last evaluated: 2024-07-10. Review status: criteria provided, single submitter. Criteria: ACMG Guidelines, 2015. Collection method: clinical testing. Allele origin: germline. Inheritance: Autosomal dominant inheritance. Observed: 2 variant alleles, 2 heterozygotes.
Comment: This variant changes 1 nucleotide in exon 15 of the RYR2 gene, creating a premature translation stop signal. This variant is expected to result in an absent or non-functional protein product. To our knowledge, this variant has not been reported in individuals affected with cardiovascular disorders in the literature. This variant has not been identified in the general population by the Genome Aggregation Database (gnomAD). Clinical relevance of loss-of-function truncation and splice variants in the RYR2 gene is not clearly established. The available evidence is insufficient to determine the role of this variant in disease conclusively. Therefore, this variant is classified as a Variant of Uncertain Significance.

This study involves interpretation of variants in research participants for the purpose of population health screening. Participant phenotype was not available at the time of variant classification. Additional details can be found in publication PMID: 35346344, PMCID: PMC8962531

Color Diagnostics, LLC DBA Color Health
Classification: Uncertain significance for Cardiomyopathy. Last evaluated: 2024-06-14. Review status: criteria provided, single submitter. Criteria: ACMG Guidelines, 2015. Collection method: clinical testing. Allele origin: germline.
Comment: This variant changes 1 nucleotide in exon 15 of the RYR2 gene, creating a premature translation stop signal. This variant is expected to result in an absent or non-functional protein product. To our knowledge, this variant has not been reported in individuals affected with RYR2-related disorders in the literature. This variant has not been identified in the general population by the Genome Aggregation Database (gnomAD). Clinical relevance of loss-of-function truncation and splice variants in the RYR2 gene is not clearly established. The available evidence is insufficient to determine the role of this variant in disease conclusively. Therefore, this variant is classified as a Variant of Uncertain Significance.

Ambry Genetics
Classification: Uncertain significance for Cardiovascular phenotype. Last evaluated: 2018-01-16. Review status: criteria provided, single submitter. Criteria: Ambry Variant Classification Scheme 2023. Collection method: clinical testing. Allele origin: germline.
Comment: The p.R480* variant (also known as c.1438C>T), located in coding exon 15 of the RYR2 gene, results from a C to T substitution at nucleotide position 1438. This changes the amino acid from an arginine to a stop codon within coding exon 15. This alteration is expected to result in loss of function by premature protein truncation or nonsense-mediated mRNA decay. However, loss of function of RYR2 has not been clearly established as a mechanism of disease. Since supporting evidence is limited at this time, the clinical significance of this alteration remains unclear.

NM_001035.3(RYR2):c.1438C>T (p.Arg480Ter)

Gene: RYR2 (ryanodine receptor 2; plus strand). Cytogenetic location: 1q43.
Variant type: single nucleotide variant.
Coding change: c.1438C>T on transcript NM_001035.3 (MANE Select); coding-DNA position 1438, C replaced by T.
Protein change: p.Arg480Ter; replaces arginine 480 with a stop codon.
Molecular consequence: nonsense.
Genome position (GRCh38, 1-based): chr1:237,454,536, C>T. VCF-style: chr1-237454536-C-T. GRCh37 (hg19) VCF-style: chr1-237617836-C-T.
Other names: c.1438C>T (NM_001035.2); short protein forms R480*.
Identifiers: ClinVar variation 1172463 (VCV001172463.9), dbSNP rs1340830020, ClinGen allele CA345380617.